The following is an entry in ClinVar:

ClinVar aggregate classification (germline): Uncertain significance (1 of 4 stars; one submission).

Allele frequency attached by ClinVar (database versions not stated): gnomAD exomes 0.00001 and below 0.00001; TOPMed 0.00002; gnomAD 0.00001.
gnomAD v4.1: 10 of 1,611,604 alleles (0.00062%); highest among the groups gnomAD compares: Non-Finnish European, 0.00076%; no homozygotes.

Submission:

Labcorp Genetics (formerly Invitae), Labcorp
Classification: Uncertain significance. Last evaluated: 2022-08-16. Review status: criteria provided, single submitter. Criteria: Invitae Variant Classification Sherloc (09022015). Collection method: clinical testing. Allele origin: germline.
Comment: This sequence change replaces cysteine, which is neutral and slightly polar, with tyrosine, which is neutral and polar, at codon 388 of the SLC18A3 protein (p.Cys388Tyr). This variant is present in population databases (no rsID available, gnomAD 0.0009%). This missense change has been observed in individual(s) with clinical features of SLC18A3-related conditions (PMID: 34136434). ClinVar contains an entry for this variant (Variation ID: 1478354). Algorithms developed to predict the effect of missense changes on protein structure and function (SIFT, PolyPhen-2, Align-GVGD) all suggest that this variant is likely to be disruptive. In summary, the available evidence is currently insufficient to determine the role of this variant in disease. Therefore, it has been classified as a Variant of Uncertain Significance.

Literature cited by the submitters: PubMed 34136434.

NM_003055.3(SLC18A3):c.1163G>A (p.Cys388Tyr)

Genes: CHAT (choline O-acetyltransferase; plus strand), SLC18A3 (solute carrier family 18 member A3; plus strand). Cytogenetic location: 10q11.23.
Variant type: single nucleotide variant.
Coding change: c.1163G>A on transcript NM_003055.3 (MANE Select); coding-DNA position 1163, G replaced by A.
Protein change: p.Cys388Tyr; replaces cysteine 388 with tyrosine.
Molecular consequence: missense variant. On other transcripts: intron variant (1).
Genome position (GRCh38, 1-based): chr10:49,611,903, G>A. VCF-style: chr10-49611903-G-A. GRCh37 (hg19) VCF-style: chr10-50819949-G-A.
Other names: c.-69+2704G>A (NM_020984.4); short protein forms C388Y.
Identifiers: ClinVar variation 1478354 (VCV001478354.4), dbSNP rs1338961287, ClinGen allele CA376722170.
Genomic context (GRCh38, chr10:49,611,903, plus strand): 5'-GCGCCAGCTCGTGCATCGTGCCCGCCTGCCGCTCCTTCGCGCCGCTAGTGGTCTCACTAT[G>A]CGGCCTCTGTTTTGGCATAGCCCTAGTCGACACAGCACTGCTGCCCACGCTCGCCTTCCT-3'
Protein context (NP_003046.2, residues 378-398): RSFAPLVVSL[Cys388Tyr]GLCFGIALVD